The following is an entry in ClinVar:

ClinVar aggregate classification (germline): Uncertain significance. Review status: criteria provided, multiple submitters, no conflicts (2 of 4 stars). 3 submissions from 3 submitters: Uncertain significance (3). Last evaluated 2025-02-01.

Conditions:
Hereditary cancer-predisposing syndrome. Also called: Neoplastic Syndromes, Hereditary; Tumor predisposition; Hereditary Cancer Syndrome; Hereditary neoplastic syndrome. Identifiers: Orphanet 140162, MedGen C0027672, MeSH D009386, MONDO:0015356.

Allele frequency attached by ClinVar (database versions not stated): gnomAD exomes 0.00001; TOPMed 0.00002.

Submissions (3):

Ambry Genetics
Classification: Uncertain significance for Hereditary cancer-predisposing syndrome. Last evaluated: 2025-02-01. Review status: criteria provided, single submitter. Criteria: Ambry Variant Classification Scheme 2023. Collection method: clinical testing. Allele origin: germline.
Comment: The c.-1G>A variant is located in the 5' untranslated region (5&rsquo; UTR) of the POLD1 gene. This variant results from a G to A substitution one nucleotide upstream from the first translated codon. This nucleotide position is well conserved in available vertebrate species. Since supporting evidence is limited at this time, the clinical significance of this alteration remains unclear.

GeneDx
Classification: Uncertain significance. Last evaluated: 2024-12-30. Review status: criteria provided, single submitter. Criteria: GeneDx Variant Classification Process June 2021. Collection method: clinical testing. Allele origin: germline. Affected: yes.
Comment: Not observed at significant frequency in large population cohorts (gnomAD); Has not been previously published as pathogenic or benign to our knowledge; In silico analysis is inconclusive as to whether the variant alters gene splicing. In the absence of RNA/functional studies, the actual effect of this sequence change is unknown.

Quest Diagnostics Nichols Institute San Juan Capistrano
Classification: Uncertain significance. Last evaluated: 2018-05-22. Review status: criteria provided, single submitter. Criteria: Quest Diagnostics criteria. Collection method: clinical testing. Allele origin: germline.

NM_002691.4(POLD1):c.-1G>A

Gene: POLD1 (DNA polymerase delta 1, catalytic subunit; plus strand). Cytogenetic location: 19q13.33.
Variant type: single nucleotide variant.
Coding change: c.-1G>A on transcript NM_002691.4 (MANE Select); 1 bases upstream of the start codon, G replaced by A.
Molecular consequence: 5 prime UTR variant. On other transcripts: non-coding transcript variant (1).
Genome position (GRCh38, 1-based): chr19:50,398,851, G>A. VCF-style: chr19-50398851-G-A. GRCh37 (hg19) VCF-style: chr19-50902108-G-A.
Other names: c.-1G>A (NM_001256849.1).
Identifiers: ClinVar variation 484360 (VCV000484360.8), dbSNP rs1312876547, ClinGen allele CA633897652.